The following is an entry in ClinVar:

NM_001365999.1(SZT2):c.2739G>A (p.Gln913=)

Gene: SZT2 (SZT2 subunit of KICSTOR complex; plus strand). Cytogenetic location: 1p34.2.
Variant type: single nucleotide variant.
Coding change: c.2739G>A on transcript NM_001365999.1 (MANE Select); coding-DNA position 2739, G replaced by A.
Protein change: p.Gln913=; no amino-acid change (glutamine 913 retained).
Molecular consequence: synonymous variant.
Genome position (GRCh38, 1-based): chr1:43,425,567, G>A. VCF-style: chr1-43425567-G-A. GRCh37 (hg19) VCF-style: chr1-43891238-G-A.
Other names: c.2739G>A, p.Gln913= (NM_015284.4).
Identifiers: ClinVar variation 3067486 (VCV003067486.21), dbSNP rs2545815953, ClinGen allele CA417435970.
Genomic context (GRCh38, chr1:43,425,567, plus strand): 5'-GGAGGCCCTGGAGGGAGACTCAGAGCTCAATCTGGTCACTGAGGTGTGGGTGGAGCCACA[G>A]TATGGGCGAGTGGGACCTGGCCCTGGAATCTGGAAGCACCTCCAGGACCTGACGTATTCT-3'
Protein context (NP_001352928.1, residues 903-923): NLVTEVWVEP[Gln913=]YGRVGPGPGI

ClinVar aggregate classification (germline): Uncertain significance (1 of 4 stars; one submission).

Allele frequency attached by ClinVar (database versions not stated): gnomAD exomes below 0.00001.
gnomAD v4.1: 1 of 1,614,200 alleles (0.000062%); highest among the groups gnomAD compares: Non-Finnish European, 0.000085%; no homozygotes.

Submission:

CeGaT Center for Human Genetics Tuebingen
Classification: Uncertain significance. Last evaluated: 2024-03-01. Review status: criteria provided, single submitter. Criteria: CeGaT Center For Human Genetics Tuebingen Variant Classification Criteria Version 2. Collection method: clinical testing. Allele origin: germline. Affected: yes. Observed: 1 variant allele.
Comment: SZT2: PM2:Supporting, BP4